The following is an entry in ClinVar:

NM_000155.4(GALT):c.812A>G (p.Glu271Gly)

Gene: GALT (galactose-1-phosphate uridylyltransferase; plus strand). Cytogenetic location: 9p13.3.
Variant type: single nucleotide variant.
Coding change: c.812A>G on transcript NM_000155.4 (MANE Select); coding-DNA position 812, A replaced by G.
Protein change: p.Glu271Gly; replaces glutamic acid 271 with glycine.
Molecular consequence: missense variant.
Genome position (GRCh38, 1-based): chr9:34,648,886, A>G. VCF-style: chr9-34648886-A-G. GRCh37 (hg19) VCF-style: chr9-34648883-A-G.
Other names: c.485A>G, p.Glu162Gly (NM_001258332.2); c.812A>G (NM_000155.3); short protein forms E162G.
Identifiers: ClinVar variation 25267 (VCV000025267.17), dbSNP rs111033765, ClinGen allele CA247494.

ClinVar aggregate classification (germline): Conflicting classifications of pathogenicity. Review status: criteria provided, conflicting classifications (1 of 4 stars). 4 submissions from 4 submitters: Pathogenic (1); Likely pathogenic (2); Uncertain significance (1). Last evaluated 2025-04-18.

Conditions:
Galactosemia. Also called: Galactose intolerance. Identifiers: Orphanet 352, MedGen C0016952, MONDO:0018116, HP:0004919. Disease mechanism: loss of function.
Deficiency of UDPglucose-hexose-1-phosphate uridylyltransferase. Also called: GALACTOSE-1-PHOSPHATE URIDYLYLTRANSFERASE DEFICIENCY; GALT deficiency; Galactosemia, classic; Transferase Deficiency Galactosemia; GALACTOSEMIA I. Identifiers: Orphanet 352, Orphanet 79239, MedGen C0268151, MONDO:0009258, OMIM 230400.

Submissions (4):

Natera, Inc.
Classification: Likely pathogenic for Galactosemia. Last evaluated: 2025-04-18. Review status: criteria provided, single submitter. Criteria: Natera Variant Classification Schema (03/2026). Collection method: clinical testing. Allele origin: germline.
Comment: The c.812A>G variant in GALT is a missense variant predicted to cause substitution of glutamic acid to glycine at amino acid 271. This variant is rare in the general population with a frequency below the threshold expected for the associated phenotype(s). This variant has been observed in one or more individuals affected with the associated recessive disease, as either homozygous or compound heterozygous with a second variant (PMID: 34030713). A different variant at the same position has been determined to be Pathogenic or Likely Pathogenic. Computational prediction algorithms indicate this variant is likely to affect gene or protein function. Given the available evidence, this variant is classified as Likely Pathogenic.

Labcorp Genetics (formerly Invitae), Labcorp
Classification: Pathogenic for Deficiency of UDPglucose-hexose-1-phosphate uridylyltransferase. Last evaluated: 2023-06-25. Review status: criteria provided, single submitter. Criteria: Invitae Variant Classification Sherloc (09022015). Collection method: clinical testing. Allele origin: germline.
Comment: This missense change has been observed in individuals with galactosemia (PMID: 34030713). For these reasons, this variant has been classified as Pathogenic. This variant disrupts the p.Glu271 amino acid residue in GALT. Other variant(s) that disrupt this residue have been determined to be pathogenic (PMID: 25592817, 29252199). This suggests that this residue is clinically significant, and that variants that disrupt this residue are likely to be disease-causing. Advanced modeling of protein sequence and biophysical properties (such as structural, functional, and spatial information, amino acid conservation, physicochemical variation, residue mobility, and thermodynamic stability) performed at Invitae indicates that this missense variant is expected to disrupt GALT protein function. ClinVar contains an entry for this variant (Variation ID: 25267). This variant is not present in population databases (gnomAD no frequency). This sequence change replaces glutamic acid, which is acidic and polar, with glycine, which is neutral and non-polar, at codon 271 of the GALT protein (p.Glu271Gly).

ARUP Laboratories, Molecular Genetics and Genomics, ARUP Laboratories
Classification: Likely pathogenic. Last evaluated: 2017-02-16. Review status: criteria provided, single submitter. Criteria: ARUP Molecular Germline Variant Investigation Process. Collection method: clinical testing. Allele origin: germline.

Eurofins Ntd Llc (ga)
Classification: Uncertain significance. Last evaluated: 2015-09-29. Review status: criteria provided, single submitter. Criteria: EGL Classification Definitions 2015. Collection method: clinical testing. Allele origin: germline. Observed: 1 variant allele, 1 heterozygote.

Literature cited by the submitters: PubMed 34030713 (cited by Natera, Inc. and Labcorp Genetics (formerly Invitae), Labcorp); PubMed 25592817 (cited by Labcorp Genetics (formerly Invitae), Labcorp); PubMed 29252199 (cited by Labcorp Genetics (formerly Invitae), Labcorp); PubMed 11678552 (cited by Eurofins Ntd Llc (ga)).